The following is an entry in ClinVar:

NM_001034853.2(RPGR):c.536del (p.Asn179fs)

Gene: RPGR (retinitis pigmentosa GTPase regulator; minus strand). Cytogenetic location: Xp11.4.
Variant type: Deletion.
Coding change: c.536del on transcript NM_001034853.2 (MANE Select); coding-DNA position 536, one base deleted (A; older notation c.536delA).
Protein change: p.Asn179fs; shifts the reading frame from asparagine 179.
Molecular consequence: frameshift variant. On other transcripts: non-coding transcript variant (5).
Genome position (GRCh38, 1-based): chrX:38,317,399, T deleted on the plus strand (A on the coding strand, the reverse complement: RPGR is on the minus strand); the first of 2 consecutive T bases (chrX:38,317,399-38,317,400); deleting either gives the same sequence. VCF-style (leftmost placement, unchanged base first): chrX-38317398-AT-A. GRCh37 (hg19) VCF-style: chrX-38176651-AT-A.
Other names: c.536del, p.Asn179fs (NM_000328.3, NM_001367245.1, NM_001367246.1 and 3 more transcripts); c.566del, p.Asn189fs (NM_001367248.1); c.533del, p.Asn178fs (NM_001367249.1); short protein forms N179fs, N178fs, N189fs.
Identifiers: ClinVar variation 1983357 (VCV001983357.4), dbSNP rs2519889046, ClinGen allele CA2580100812.
Genomic context (GRCh38, chrX:38,317,398, plus strand): 5'-ATATCCACAAGAGATCCAGGAGACAGGTTTCCCAATGGTCACTTGCTGAGGGACACAGAC[AT>A]TACTTACATTTTTTAAACCAATTTGCCCTTCGGAATTGTCACCCCACATAAAAAGTCTTC-3'

ClinVar aggregate classification (germline): Pathogenic (1 of 4 stars; one submission).

Conditions:
Primary ciliary dyskinesia. Also called: Ciliary dyskinesia. Identifiers: Orphanet 244, MedGen C0008780, MONDO:0016575, HP:0012265.

Submission:

Labcorp Genetics (formerly Invitae), Labcorp
Classification: Pathogenic for Primary ciliary dyskinesia. Last evaluated: 2022-10-25. Review status: criteria provided, single submitter. Criteria: Invitae Variant Classification Sherloc (09022015). Collection method: clinical testing. Allele origin: germline.
Comment: This variant has not been reported in the literature in individuals affected with RPGR-related conditions. This sequence change creates a premature translational stop signal (p.Asn179Metfs*8) in the RPGR gene. It is expected to result in an absent or disrupted protein product. Loss-of-function variants in RPGR are known to be pathogenic (PMID: 16055928, 16969763). This variant is not present in population databases (gnomAD no frequency). For these reasons, this variant has been classified as Pathogenic.

Literature cited by the submitters: PubMed 16055928; PubMed 16969763.